The following is an entry in ClinVar:

NM_000140.5(FECH):c.589T>A (p.Ser197Thr)

Gene: FECH (ferrochelatase; minus strand). Cytogenetic location: 18q21.31.
Variant type: single nucleotide variant.
Coding change: c.589T>A on transcript NM_000140.5 (MANE Select); coding-DNA position 589, T replaced by A.
Protein change: p.Ser197Thr; replaces serine 197 with threonine.
Molecular consequence: missense variant.
Genome position (GRCh38, 1-based): chr18:57,566,456, A>T on the plus strand (T>A on the coding strand, the complement: FECH is on the minus strand). VCF-style: chr18-57566456-A-T. GRCh37 (hg19) VCF-style: chr18-55233688-A-T.
Other names: c.607T>A, p.Ser203Thr (NM_001012515.4); c.589T>A, p.Ser197Thr (NM_001371094.1, NM_001374778.1); c.373T>A, p.Ser125Thr (NM_001371095.1); short protein forms S125T, S203T, S197T.
Identifiers: ClinVar variation 1920126 (VCV001920126.6), dbSNP rs999974666, ClinGen allele CA402536094.

ClinVar aggregate classification (germline): Uncertain significance. Review status: criteria provided, multiple submitters, no conflicts (2 of 4 stars). 2 submissions from 2 submitters: Uncertain significance (2). Last evaluated 2025-09-10.

Conditions:
Inborn genetic diseases. Identifiers: MedGen C0950123, MeSH D030342.

Allele frequency attached by ClinVar (database versions not stated): gnomAD exomes below 0.00001; TOPMed below 0.00001.

Submissions (2):

Ambry Genetics
Classification: Uncertain significance for Inborn genetic diseases. Last evaluated: 2025-09-10. Review status: criteria provided, single submitter. Criteria: Ambry Variant Classification Scheme 2023. Collection method: clinical testing. Allele origin: germline.

Labcorp Genetics (formerly Invitae), Labcorp
Classification: Uncertain significance. Last evaluated: 2024-10-23. Review status: criteria provided, single submitter. Criteria: Invitae Variant Classification Sherloc (09022015). Collection method: clinical testing. Allele origin: germline.
Comment: This sequence change replaces serine, which is neutral and polar, with threonine, which is neutral and polar, at codon 197 of the FECH protein (p.Ser197Thr). This variant is not present in population databases (gnomAD no frequency). This variant has not been reported in the literature in individuals affected with FECH-related conditions. ClinVar contains an entry for this variant (Variation ID: 1920126). Invitae Evidence Modeling of protein sequence and biophysical properties (such as structural, functional, and spatial information, amino acid conservation, physicochemical variation, residue mobility, and thermodynamic stability) indicates that this missense variant is not expected to disrupt FECH protein function with a negative predictive value of 95%. In summary, the available evidence is currently insufficient to determine the role of this variant in disease. Therefore, it has been classified as a Variant of Uncertain Significance.